The following is an entry in ClinVar:

NM_152618.3(BBS12):c.1816_1817del (p.Thr606fs)

Gene: BBS12 (Bardet-Biedl syndrome 12; plus strand). Cytogenetic location: 4q27.
Variant type: Microsatellite.
Coding change: c.1816_1817del on transcript NM_152618.3 (MANE Select); coding-DNA positions 1816 to 1817, 2 bases deleted (AC; older notation c.1816_1817delAC).
Protein change: p.Thr606fs; shifts the reading frame from threonine 606.
Molecular consequence: frameshift variant.
Genome position (GRCh38, 1-based): chr4:122,743,708-122,743,709, AC deleted; deleting any 2 consecutive bases within chr4:122,743,706-122,743,709 gives the same sequence; the c. name uses the placement nearest the transcript's 3' end. VCF-style (leftmost placement, unchanged base first): chr4-122743705-AAC-A. GRCh37 (hg19) VCF-style: chr4-123664860-AAC-A.
Other names: c.1816_1817del, p.Thr606fs (NM_001178007.2); short protein forms T606fs.
Identifiers: ClinVar variation 2753746 (VCV002753746.3), dbSNP rs2485078123, ClinGen allele CA2697546896.
Genomic context (GRCh38, chr4:122,743,705, plus strand): 5'-CCAACTGTGCTTAAATTCCTGGCAAATGGATGGCAGAAATACCTTTCAACTCTCCTATAT[AAC>A]ACTGCCAATTACTCATCAGAATTTGAAGCCAGCACATACATTCAACATCATCTGCAAAAT-3'

ClinVar aggregate classification (germline): Pathogenic (1 of 4 stars; one submission).

Conditions:
Bardet-Biedl syndrome (BBS). Identifiers: Orphanet 110, MedGen C0752166, MONDO:0015229.

Submission:

Labcorp Genetics (formerly Invitae), Labcorp
Classification: Pathogenic for Bardet-Biedl syndrome. Last evaluated: 2023-08-18. Review status: criteria provided, single submitter. Criteria: Invitae Variant Classification Sherloc (09022015). Collection method: clinical testing. Allele origin: germline.
Comment: This sequence change creates a premature translational stop signal (p.Thr606Cysfs*8) in the BBS12 gene. While this is not anticipated to result in nonsense mediated decay, it is expected to disrupt the last 105 amino acid(s) of the BBS12 protein. This variant is not present in population databases (gnomAD no frequency). This variant has not been reported in the literature in individuals affected with BBS12-related conditions. This variant disrupts a region of the BBS12 protein in which other variant(s) (p.Ser701*) have been determined to be pathogenic (PMID: 20648243). This suggests that this is a clinically significant region of the protein, and that variants that disrupt it are likely to be disease-causing. For these reasons, this variant has been classified as Pathogenic.

Literature cited by the submitters: PubMed 20648243.